The following is an entry in ClinVar:

NM_000124.4(ERCC6):c.324A>T (p.Gly108=)

Gene: ERCC6 (ERCC excision repair 6, chromatin remodeling factor; minus strand). Cytogenetic location: 10q11.23.
Variant type: single nucleotide variant.
Coding change: c.324A>T on transcript NM_000124.4 (MANE Select); coding-DNA position 324, A replaced by T.
Protein change: p.Gly108=; no amino-acid change (glycine 108 retained).
Molecular consequence: synonymous variant.
Genome position (GRCh38, 1-based): chr10:49,532,641, T>A on the plus strand (A>T on the coding strand, the complement: ERCC6 is on the minus strand). VCF-style: chr10-49532641-T-A. GRCh37 (hg19) VCF-style: chr10-50740687-T-A.
Other names: c.324A>T, p.Gly108= (NM_001277058.2, NM_001277059.2, NM_001346440.2).
Identifiers: ClinVar variation 1935880 (VCV001935880.2), dbSNP rs759516851, ClinGen allele CA5496577.

ClinVar aggregate classification (germline): Uncertain significance (1 of 4 stars; one submission).

Allele frequency attached by ClinVar (database versions not stated): TOPMed below 0.00001; ExAC 0.00001; gnomAD 0.00001.
gnomAD v4.1: 3 of 1,614,048 alleles (0.00019%); highest among the groups gnomAD compares: East Asian, 0.0022%; no homozygotes.

Submission:

Labcorp Genetics (formerly Invitae), Labcorp
Classification: Uncertain significance. Last evaluated: 2022-01-18. Review status: criteria provided, single submitter. Criteria: Invitae Variant Classification Sherloc (09022015). Collection method: clinical testing. Allele origin: germline.
Comment: This sequence change affects codon 108 of the ERCC6 mRNA. It is a 'silent' change, meaning that it does not change the encoded amino acid sequence of the ERCC6 protein. This variant is present in population databases (rs759516851, gnomAD 0.06%). This variant has not been reported in the literature in individuals affected with ERCC6-related conditions. Algorithms developed to predict the effect of sequence changes on RNA splicing suggest that this variant may create or strengthen a splice site. In summary, the available evidence is currently insufficient to determine the role of this variant in disease. Therefore, it has been classified as a Variant of Uncertain Significance.